The following is an entry in ClinVar:

NM_001323289.2(CDKL5):c.2377-1232G>A

Gene: CDKL5 (cyclin dependent kinase like 5; plus strand). Cytogenetic location: Xp22.13.
Variant type: single nucleotide variant.
Coding change: c.2377-1232G>A on transcript NM_001323289.2 (MANE Select); 1232 bases into the intron before coding-DNA position 2377, G replaced by A.
Molecular consequence: intron variant.
Genome position (GRCh38, 1-based): chrX:18,623,896, G>A. VCF-style: chrX-18623896-G-A. GRCh37 (hg19) VCF-style: chrX-18642016-G-A.
Other names: c.2377-1232G>A (NM_003159.3, NM_001037343.2).
Identifiers: ClinVar variation 2660102 (VCV002660102.24), dbSNP rs2518893799, ClinGen allele CA2695200159.
Genomic context (GRCh38, chrX:18,623,896, plus strand): 5'-TTTTTTTTTTTTGCAATTAGTTTATTTGTATCTTATATTGCAGACAGATTCCACCAACGG[G>A]GAGAATCCAAGCATCAAGAAATCCCTCTTTCCTCTTTTTAATTCAAAGAATCATTTAAAG-3'

ClinVar aggregate classification (germline): Likely benign (1 of 4 stars; one submission).

Submission:

CeGaT Center for Human Genetics Tuebingen
Classification: Likely benign. Last evaluated: 2023-05-01. Review status: criteria provided, single submitter. Criteria: CeGaT Center For Human Genetics Tuebingen Variant Classification Criteria Version 2. Collection method: clinical testing. Allele origin: germline. Affected: yes. Observed: 1 variant allele.
Comment: CDKL5: PM2:Supporting, BP4, BP7